The following is an entry in ClinVar:

NM_004817.4(TJP2):c.2546C>T (p.Thr849Met)

Gene: TJP2 (tight junction protein 2; plus strand). Cytogenetic location: 9q21.11.
Variant type: single nucleotide variant.
Coding change: c.2546C>T on transcript NM_004817.4 (MANE Select); coding-DNA position 2546, C replaced by T.
Protein change: p.Thr849Met; replaces threonine 849 with methionine.
Molecular consequence: missense variant.
Genome position (GRCh38, 1-based): chr9:69,240,127, C>T. VCF-style: chr9-69240127-C-T. GRCh37 (hg19) VCF-style: chr9-71855043-C-T.
Other names: c.2477C>T, p.Thr826Met (NM_001170414.2, NM_001369871.1); c.2558C>T, p.Thr853Met (NM_001170415.1, NM_001369874.1, NM_001369875.1); c.2639C>T, p.Thr880Met (NM_001170416.2); c.2471C>T, p.Thr824Met (NM_001369870.1); c.2546C>T, p.Thr849Met (NM_001369872.1, NM_001369873.1, NM_201629.3); short protein forms T824M, T826M, T849M, T853M, T880M.
Identifiers: ClinVar variation 3375629 (VCV003375629.1).

ClinVar aggregate classification (germline): Uncertain significance (1 of 4 stars; one submission).

gnomAD v4.1: 23 of 1,613,732 alleles (0.0014%); highest among the groups gnomAD compares: East Asian, 0.018%; no homozygotes.

Submission:

GeneDx
Classification: Uncertain significance. Last evaluated: 2024-05-09. Review status: criteria provided, single submitter. Criteria: GeneDx Variant Classification Process June 2021. Collection method: clinical testing. Allele origin: germline. Affected: yes.
Comment: In silico analysis supports that this missense variant has a deleterious effect on protein structure/function; Has not been previously published as pathogenic or benign to our knowledge